The following is an entry in ClinVar:

NM_000426.4(LAMA2):c.1195_1198del (p.Arg399fs)

Gene: LAMA2 (laminin subunit alpha 2; plus strand). Cytogenetic location: 6q22.33.
Variant type: Deletion.
Coding change: c.1195_1198del on transcript NM_000426.4 (MANE Select); coding-DNA positions 1195 to 1198, 4 bases deleted (AGAC; older notation c.1195_1198delAGAC).
Protein change: p.Arg399fs; shifts the reading frame from arginine 399.
Molecular consequence: frameshift variant.
Genome position (GRCh38, 1-based): chr6:129,154,672-129,154,675, AGAC deleted; deleting any 4 consecutive bases within chr6:129,154,671-129,154,675 gives the same sequence; the c. name uses the placement nearest the transcript's 3' end. VCF-style (leftmost placement, unchanged base first): chr6-129154670-TCAGA-T. GRCh37 (hg19) VCF-style: chr6-129475815-TCAGA-T.
Other names: c.1195_1198del, p.Arg399fs (NM_001079823.2); short protein forms R399fs.
Identifiers: ClinVar variation 1725538 (VCV001725538.3), dbSNP rs2482628114, ClinGen allele CA2580074883.

ClinVar aggregate classification (germline): Likely pathogenic (1 of 4 stars; one submission).

Conditions:
LAMA2-related muscular dystrophy (LAMA2-RD). Also called: Laminin alpha 2-related dystrophy. Identifiers: MedGen C5679788, MONDO:0100228.

Submission:

Myriad Genetics, Inc.
Classification: Likely pathogenic for LAMA2-related muscular dystrophy. Last evaluated: 2022-03-30. Review status: criteria provided, single submitter. Criteria: Myriad Autosomal Dominant, Autosomal Recessive and X-Linked Classification Criteria (2023). Collection method: clinical testing. Allele origin: unknown.
Comment: NM_000426.3(LAMA2):c.1195_1198delAGAC(R399Pfs*23) is expected to be pathogenic in the context of muscular dystrophy, LAMA2-related. This variant is predicted to lead to an abnormal or absent protein product due to the creation of a premature termination codon in LAMA2, a gene where loss-of-function variants are known to be pathogenic. Please note: this variant was assessed in the context of healthy population screening.